The following is an entry in ClinVar:

ClinVar aggregate classification (germline): Likely benign. Review status: criteria provided, multiple submitters, no conflicts (2 of 4 stars). 2 submissions from 2 submitters: Likely benign (2). Last evaluated 2025-01-02.

Allele frequency attached by ClinVar (database versions not stated): ESP Exome Variant Server 0.00008; 1000 Genomes Project 0.00020; TOPMed 0.00024; 1000 Genomes Project 30x 0.00031; gnomAD exomes 0.00033; gnomAD 0.00040; ExAC 0.00052.
gnomAD v4.1: 533 of 1,608,654 alleles (0.033%); highest among the groups gnomAD compares: Non-Finnish European, 0.038%; no homozygotes.

Submissions (2):

Labcorp Genetics (formerly Invitae), Labcorp
Classification: Likely benign. Last evaluated: 2025-01-02. Review status: criteria provided, single submitter. Criteria: Invitae Variant Classification Sherloc (09022015). Collection method: clinical testing. Allele origin: germline.

CeGaT Center for Human Genetics Tuebingen
Classification: Likely benign. Last evaluated: 2023-12-01. Review status: criteria provided, single submitter. Criteria: CeGaT Center For Human Genetics Tuebingen Variant Classification Criteria Version 2. Collection method: clinical testing. Allele origin: germline. Affected: yes. Observed: 1 variant allele.
Comment: STEAP3: BP4, BP7

NM_182915.3(STEAP3):c.978C>T (p.His326=)

Genes: STEAP3 (STEAP3 metalloreductase; plus strand), STEAP3-AS1 (STEAP3 antisense RNA 1; minus strand). Cytogenetic location: 2q14.2.
Variant type: single nucleotide variant.
Coding change: c.978C>T on transcript NM_182915.3 (MANE Select); coding-DNA position 978, C replaced by T.
Protein change: p.His326=; no amino-acid change (histidine 326 retained).
Molecular consequence: synonymous variant.
Genome position (GRCh38, 1-based): chr2:119,248,134, C>T. VCF-style: chr2-119248134-C-T. GRCh37 (hg19) VCF-style: chr2-120005710-C-T.
Other names: c.948C>T, p.His316= (NM_001008410.2, NM_018234.3, NM_138637.3).
Identifiers: ClinVar variation 3025339 (VCV003025339.24), dbSNP rs192949704, ClinGen allele CA1846758.